The following is an entry in ClinVar:

ClinVar aggregate classification (germline): Likely pathogenic. Review status: criteria provided, multiple submitters, no conflicts (2 of 4 stars). 3 submissions from 3 submitters: Likely pathogenic (3). Last evaluated 2025-04-03.

Conditions:
Renal tubular acidosis with progressive nerve deafness. Also called: renal tubular acidosis, distal, 2, with progressive sensorineural hearing loss; Distal Renal Tubular Acidosis with Progressive Sensorineural Deafness; RENAL TUBULAR ACIDOSIS, AUTOSOMAL RECESSIVE, WITH PROGRESSIVE NERVE DEAFNESS; RTA WITH PROGRESSIVE NERVE DEAFNESS. Identifiers: MedGen C0403554, MONDO:0009968, OMIM 267300.

Submissions (3):

Natera, Inc.
Classification: Likely pathogenic for Renal tubular acidosis with progressive nerve deafness. Last evaluated: 2025-04-03. Review status: criteria provided, single submitter. Criteria: Natera Variant Classification Schema (03/2026). Collection method: clinical testing. Allele origin: germline.
Comment: The c.367+1G>T variant in ATP6V1B1 is a canonical splice donor site variant predicted to affect pre-mRNA splicing, which may result in an abnormal transcript and altered protein product. This variant is expected to result in nonsense mediated decay, truncation, or a dysfunctional protein product. This variant is rare in the general population with a frequency below the threshold expected for the associated phenotype(s). Given the available evidence, this variant is classified as Likely Pathogenic.

Labcorp Genetics (formerly Invitae), Labcorp
Classification: Likely pathogenic. Last evaluated: 2023-12-21. Review status: criteria provided, single submitter. Criteria: Invitae Variant Classification Sherloc (09022015). Collection method: clinical testing. Allele origin: germline.
Comment: This sequence change affects a donor splice site in intron 4 of the ATP6V1B1 gene. It is expected to disrupt RNA splicing. Variants that disrupt the donor or acceptor splice site typically lead to a loss of protein function (PMID: 16199547), and loss-of-function variants in ATP6V1B1 are known to be pathogenic (PMID: 9916796, 18368028). This variant is not present in population databases (gnomAD no frequency). This variant has not been reported in the literature in individuals affected with ATP6V1B1-related conditions. Algorithms developed to predict the effect of sequence changes on RNA splicing suggest that this variant may disrupt the consensus splice site. In summary, the currently available evidence indicates that the variant is pathogenic, but additional data are needed to prove that conclusively. Therefore, this variant has been classified as Likely Pathogenic.

Juno Genomics, Hangzhou Juno Genomics, Inc
Classification: Likely pathogenic for Renal tubular acidosis with progressive nerve deafness. Review status: criteria provided, single submitter. Criteria: ACMG Guidelines, 2015. Collection method: clinical testing. Allele origin: germline.
Comment: Null variant in a gene where loss of function (LOF) is a known mechanism of disease.;Absent from controls (or at extremely low frequency if recessive) in Genome Aggregation Database.

Literature cited by the submitters: PubMed 16199547 (cited by Labcorp Genetics (formerly Invitae), Labcorp); PubMed 9916796 (cited by Labcorp Genetics (formerly Invitae), Labcorp); PubMed 18368028 (cited by Labcorp Genetics (formerly Invitae), Labcorp).

NM_001692.4(ATP6V1B1):c.367+1G>T

Gene: ATP6V1B1 (ATPase H+ transporting V1 subunit B1; plus strand). Cytogenetic location: 2p13.3.
Variant type: single nucleotide variant.
Coding change: c.367+1G>T on transcript NM_001692.4 (MANE Select); the canonical splice donor site of the intron after coding-DNA position 367, G replaced by T.
Molecular consequence: splice donor variant.
Genome position (GRCh38, 1-based): chr2:70,958,427, G>T. VCF-style: chr2-70958427-G-T. GRCh37 (hg19) VCF-style: chr2-71185557-G-T.
Other names: c.367+1G>T (NM_001692.3).
Identifiers: ClinVar variation 2775527 (VCV002775527.7), dbSNP rs1343871627, ClinGen allele CA347181298.